The following is an entry in ClinVar:

ClinVar aggregate classification (germline): Uncertain significance (1 of 4 stars; one submission).

Submission:

GeneDx
Classification: Uncertain significance. Last evaluated: 2023-11-22. Review status: criteria provided, single submitter. Criteria: GeneDx Variant Classification Process June 2021. Collection method: clinical testing. Allele origin: germline. Affected: yes.
Comment: Not observed at significant frequency in large population cohorts (gnomAD); Frameshift variant predicted to result in protein truncation or nonsense mediated decay in a gene or region of a gene for which loss of function is not a well-established mechanism of disease; Has not been previously published as pathogenic or benign to our knowledge

NM_001378328.1(CELSR1):c.1804_1805delinsGTGGCGT (p.Tyr602fs)

Gene: CELSR1 (cadherin EGF LAG seven-pass G-type receptor 1; minus strand). Cytogenetic location: 22q13.31.
Variant type: Indel.
Coding change: c.1804_1805delinsGTGGCGT on transcript NM_001378328.1 (MANE Select); coding-DNA positions 1804 to 1805, TA replaced by GTGGCGT.
Protein change: p.Tyr602fs; shifts the reading frame from tyrosine 602.
Molecular consequence: frameshift variant.
Genome position (GRCh38, 1-based): chr22:46,535,366-46,535,367, TA replaced by ACGCCAC on the plus strand (TA replaced by GTGGCGT on the coding strand, the reverse complement: CELSR1 is on the minus strand). VCF-style: chr22-46535366-TA-ACGCCAC. GRCh37 (hg19) VCF-style: chr22-46931263-TA-ACGCCAC.
Other names: c.1804_1805delinsGTGGCGT, p.Tyr602fs (NM_014246.4); short protein forms Y602fs.
Identifiers: ClinVar variation 3364792 (VCV003364792.1).